The following is an entry in ClinVar:

ClinVar aggregate classification (germline): Likely benign (1 of 4 stars; one submission).

gnomAD v4.1: 3 of 1,537,206 alleles (0.0002%); highest among the groups gnomAD compares: Admixed American, 0.002%; no homozygotes.

Submission:

CeGaT Center for Human Genetics Tuebingen
Classification: Likely benign. Last evaluated: 2025-07-01. Review status: criteria provided, single submitter. Criteria: CeGaT Center For Human Genetics Tuebingen Variant Classification Criteria Version 2. Collection method: clinical testing. Allele origin: germline. Affected: yes. Observed: 1 variant allele.
Comment: TBXAS1: BP4, BP7

NM_001061.7(TBXAS1):c.451-770C>A

Gene: TBXAS1 (thromboxane A synthase 1; plus strand). Cytogenetic location: 7q34.
Variant type: single nucleotide variant.
Coding change: c.451-770C>A on transcript NM_001061.7 (MANE Select); 770 bases into the intron before coding-DNA position 451, C replaced by A.
Molecular consequence: intron variant. On other transcripts: synonymous variant (1).
Genome position (GRCh38, 1-based): chr7:139,952,598, C>A. VCF-style: chr7-139952598-C-A. GRCh37 (hg19) VCF-style: chr7-139652397-C-A.
Other names: c.498C>A, p.Gly166= (NM_001166253.4); c.451-770C>A (NM_001130966.5, NM_030984.6); c.250-770C>A (NM_001166254.4); c.394-770C>A (NM_001314028.4); c.268-770C>A (NM_001366537.3).
Identifiers: ClinVar variation 4085321 (VCV004085321.8).